The following is an entry in ClinVar:

ClinVar aggregate classification (germline): Conflicting classifications of pathogenicity. Review status: criteria provided, conflicting classifications (1 of 4 stars). 4 submissions from 4 submitters: Uncertain significance (1); Benign (1); Likely benign (1). 1 of the submissions does not count toward it. Last evaluated 2025-12-01.

Conditions:
Spermatogenic failure 45. Identifiers: MedGen C5436791, MONDO:0033671, OMIM 619094.
DNAH2-related disorder. Also called: DNAH2-related condition.

Submissions (4):

CeGaT Center for Human Genetics Tuebingen
Classification: Benign. Last evaluated: 2025-12-01. Review status: criteria provided, single submitter. Criteria: CeGaT Center For Human Genetics Tuebingen Variant Classification Criteria Version 2. Collection method: clinical testing. Allele origin: germline. Affected: yes. Observed: 4 variant alleles.
Comment: DNAH2: BS1, BS2

Blueprint Genetics
Classification: Likely benign. Last evaluated: 2024-11-25. Review status: criteria provided, single submitter. Criteria: ACMG Guidelines, 2015. Collection method: clinical testing. Allele origin: germline.

Department of Pathology and Laboratory Medicine, Sinai Health System
Classification: Uncertain significance for Spermatogenic failure 45. Last evaluated: 2023-04-18. Review status: criteria provided, single submitter. Criteria: ACMG Guidelines, 2015. Collection method: research. Allele origin: germline.

PreventionGenetics, part of Exact Sciences
Classification: Likely benign for DNAH2-related condition. Last evaluated: 2019-11-26. Review status: no assertion criteria provided. Collection method: clinical testing. Allele origin: germline. Not counted in ClinVar's aggregate classification.
Comment: This variant is classified as likely benign based on ACMG/AMP sequence variant interpretation guidelines (Richards et al. 2015 PMID: 25741868, with internal and published modifications).

NM_020877.5(DNAH2):c.1904+146del

Gene: DNAH2 (dynein axonemal heavy chain 2; plus strand). Cytogenetic location: 17p13.1.
Variant type: Deletion.
Coding change: c.1904+146del on transcript NM_020877.5 (MANE Select); 146 bases into the intron after coding-DNA position 1904, one base deleted (T; older notation c.1904+146delT).
Molecular consequence: intron variant. On other transcripts: frameshift variant (1).
Genome position (GRCh38, 1-based): chr17:7,743,288, T deleted; the last of 10 consecutive T bases (chr17:7,743,279-7,743,288); deleting any one gives the same sequence. VCF-style (leftmost placement, unchanged base first): chr17-7743278-CT-C. GRCh37 (hg19) VCF-style: chr17-7646596-CT-C.
Other names: c.2296delT (NM_001303270.1); c.2296del, p.Ser766fs (NM_001303270.2); short protein forms S766fs.
Identifiers: ClinVar variation 2647371 (VCV002647371.27), dbSNP rs564117935, ClinGen allele CA8356300.
Genomic context (GRCh38, chr17:7,743,278, plus strand): 5'-GACTCCTCTCTTCATTATTCTCTCTCTTTCTCATACAATATGTTTGCTATCGTCATTTTA[CT>C]TTTTTTTTTCTTCTTTTATTTTTGTCTCTCCCCACCTCCCACCCTGCTATCAACATTTTA-3'